The following is an entry in ClinVar:

ClinVar aggregate classification (germline): Uncertain significance. Review status: criteria provided, multiple submitters, no conflicts (2 of 4 stars). 5 submissions from 5 submitters: Uncertain significance (5). Last evaluated 2024-03-18.

Conditions:
Hereditary nonpolyposis colorectal neoplasms. Identifiers: MedGen C0009405, MeSH D003123.
Hereditary cancer-predisposing syndrome. Also called: Hereditary Cancer Syndrome; Hereditary neoplastic syndrome; Tumor predisposition; Neoplastic Syndromes, Hereditary. Identifiers: Orphanet 140162, MedGen C0027672, MeSH D009386, MONDO:0015356.
Lynch syndrome. Identifiers: Orphanet 144, MedGen C4552100, MONDO:0005835. Disease mechanism: loss of function.

Submissions (5):

Labcorp Genetics (formerly Invitae), Labcorp
Classification: Uncertain significance for Hereditary nonpolyposis colorectal neoplasms. Last evaluated: 2024-03-18. Review status: criteria provided, single submitter. Criteria: Invitae Variant Classification Sherloc (09022015). Collection method: clinical testing. Allele origin: germline.
Comment: This sequence change replaces leucine, which is neutral and non-polar, with valine, which is neutral and non-polar, at codon 193 of the MSH6 protein (p.Leu193Val). This variant is not present in population databases (gnomAD no frequency). This variant has not been reported in the literature in individuals affected with MSH6-related conditions. ClinVar contains an entry for this variant (Variation ID: 127601). Advanced modeling of protein sequence and biophysical properties (such as structural, functional, and spatial information, amino acid conservation, physicochemical variation, residue mobility, and thermodynamic stability) performed at Invitae indicates that this missense variant is not expected to disrupt MSH6 protein function with a negative predictive value of 95%. In summary, the available evidence is currently insufficient to determine the role of this variant in disease. Therefore, it has been classified as a Variant of Uncertain Significance.

Ambry Genetics
Classification: Uncertain significance for Hereditary cancer-predisposing syndrome. Last evaluated: 2024-01-09. Review status: criteria provided, single submitter. Criteria: Ambry Variant Classification Scheme 2023. Collection method: clinical testing. Allele origin: germline.
Comment: The p.L193V variant (also known as c.577T>G), located in coding exon 3 of the MSH6 gene, results from a T to G substitution at nucleotide position 577. The leucine at codon 193 is replaced by valine, an amino acid with highly similar properties. This amino acid position is well conserved in available vertebrate species. In addition, this alteration is predicted to be tolerated by in silico analysis. Since supporting evidence is limited at this time, the clinical significance of this alteration remains unclear.

All of Us Research Program, National Institutes of Health
Classification: Uncertain significance for Lynch syndrome. Last evaluated: 2023-04-27. Review status: criteria provided, single submitter. Criteria: ACMG Guidelines, 2015. Collection method: clinical testing. Allele origin: germline. Inheritance: Autosomal dominant inheritance. Observed: 1 variant allele, 1 heterozygote.
Comment: This study involves interpretation of variants in research participants for the purpose of population health screening. Participant phenotype was not available at the time of variant classification. Additional details can be found in publication PMID: 35346344, PMCID: PMC8962531

Color Diagnostics, LLC DBA Color Health
Classification: Uncertain significance for Hereditary cancer-predisposing syndrome. Last evaluated: 2023-03-28. Review status: criteria provided, single submitter. Criteria: ACMG Guidelines, 2015. Collection method: clinical testing. Allele origin: germline.
Comment: This missense variant replaces leucine with valine at codon 193 of the MSH6 protein. Computational prediction suggests that this variant may not impact protein structure and function (internally defined REVEL score threshold <= 0.5, PMID: 27666373). To our knowledge, functional studies have not been reported for this variant. This variant has not been reported in individuals affected with MSH6-related disorders in the literature. This variant has not been identified in the general population by the Genome Aggregation Database (gnomAD). The available evidence is insufficient to determine the role of this variant in disease conclusively. Therefore, this variant is classified as a Variant of Uncertain Significance.

GeneDx
Classification: Uncertain significance. Last evaluated: 2014-01-15. Review status: criteria provided, single submitter. Criteria: GeneDx Variant Classification (06012015). Collection method: clinical testing. Allele origin: germline. Affected: yes.
Comment: This variant is denoted MSH6 c.577T>G at the cDNA level, p.Leu193Val (L193V) at the protein level, and results in the change of a Leucine to a Valine (TTG>GTG). This variant has not, to our knowledge, been published in the literature as pathogenic or benign. MSH6 Leu193Val was not observed at a significant allele frequency in the NHLBI Exome Sequencing Project. This variant is a conservative substitution of one neutral non-polar amino acid for another, altering a position that is well conserved throughout evolution and is not located in a known functional domain. In silico analyses are inconsistent with regard to the effect this variant may have on protein structure and function. Based on the currently available information, we consider MSH6 Leu193Val to be a variant of uncertain significance.

NM_000179.3(MSH6):c.577T>G (p.Leu193Val)

Gene: MSH6 (mutS homolog 6; plus strand). Cytogenetic location: 2p16.3.
Variant type: single nucleotide variant.
Coding change: c.577T>G on transcript NM_000179.3 (MANE Select); coding-DNA position 577, T replaced by G.
Protein change: p.Leu193Val; replaces leucine 193 with valine.
Molecular consequence: missense variant. On other transcripts: 5 prime UTR variant (1), intron variant (2).
Genome position (GRCh38, 1-based): chr2:47,796,013, T>G. VCF-style: chr2-47796013-T-G. GRCh37 (hg19) VCF-style: chr2-48023152-T-G.
Other names: p.L193V:TTG>GTG; c.-326T>G (NM_001281494.2); c.-279-2598T>G (NM_001281493.2); c.238-2598T>G (NM_001281492.2); short protein forms L193V.
Identifiers: ClinVar variation 127601 (VCV000127601.18), dbSNP rs587779944, ClinGen allele CA015896.